The following is an entry in ClinVar:

NM_033124.5(CCDC65):c.*2dup (p.Ter485=)

Gene: CCDC65 (coiled-coil domain containing 65; plus strand). Cytogenetic location: 12q13.12.
Variant type: Duplication.
Coding change: c.*2dup on transcript NM_033124.5 (MANE Select); 2 bases downstream of the stop codon, one base duplicated (A; older notation c.*2dupA).
Protein change: p.Ter485=.
Molecular consequence: no sequence alteration.
Genome position (GRCh38, 1-based): chr12:48,921,445, A duplicated; the last of 4 consecutive A bases (chr12:48,921,442-48,921,445); duplicating any one gives the same sequence. VCF-style (leftmost placement, unchanged base first): chr12-48921441-T-TA. GRCh37 (hg19) VCF-style: chr12-49315224-T-TA.
Other names: c.*2dup, p.Ter342= (NM_001286957.2).
Identifiers: ClinVar variation 1057879 (VCV001057879.6), dbSNP rs2137550413, ClinGen allele CA2499221709.

ClinVar aggregate classification (germline): Uncertain significance (1 of 4 stars; one submission).

Conditions:
Primary ciliary dyskinesia 27. Also called: CILIARY DYSKINESIA, PRIMARY, 27, WITHOUT SITUS INVERSUS. Identifiers: Orphanet 244, MedGen C3809701, MONDO:0014215, OMIM 615504.

Submission:

Labcorp Genetics (formerly Invitae), Labcorp
Classification: Uncertain significance for Primary ciliary dyskinesia 27. Last evaluated: 2020-08-05. Review status: criteria provided, single submitter. Criteria: Invitae Variant Classification Sherloc (09022015). Collection method: clinical testing. Allele origin: germline.
Comment: This variant occurs in a non-coding region of the CCDC65 gene. It does not change the encoded amino acid sequence of the CCDC65 protein. This variant is not present in population databases (ExAC no frequency). This variant has not been reported in the literature in individuals with CCDC65-related disease. In summary, the available evidence is currently insufficient to determine the role of this variant in disease. Therefore, it has been classified as a Variant of Uncertain Significance.